The following is an entry in ClinVar:

ClinVar aggregate classification (germline): Uncertain significance (1 of 4 stars; one submission).

Conditions:
Autosomal dominant nocturnal frontal lobe epilepsy 5. Also called: CILIARY DYSKINESIA, PRIMARY, 28, WITHOUT SITUS INVERSUS; CILIARY DYSKINESIA, PRIMARY, 28, WITH SITUS INVERSUS; KCNT1-Related Epilepsy; Epilepsy, nocturnal frontal lobe, 5. Identifiers: Orphanet 98784, MedGen C3554306, MONDO:0014002, OMIM 615005.
Developmental and epileptic encephalopathy, 14 (DEE14). Also called: Early infantile epileptic encephalopathy 14. Identifiers: Orphanet 293181, MedGen C3554195, MONDO:0013989, OMIM 614959.

Submission:

Labcorp Genetics (formerly Invitae), Labcorp
Classification: Uncertain significance for Autosomal dominant nocturnal frontal lobe epilepsy 5; Developmental and epileptic encephalopathy, 14. Last evaluated: 2025-12-22. Review status: criteria provided, single submitter. Criteria: Invitae Variant Classification Sherloc (09022015). Collection method: clinical testing. Allele origin: germline.
Comment: This sequence change replaces glutamine, which is neutral and polar, with proline, which is neutral and non-polar, at codon 731 of the KCNT1 protein (p.Gln731Pro). This variant is not present in population databases (gnomAD no frequency). This variant has not been reported in the literature in individuals affected with KCNT1-related conditions. Invitae Evidence Modeling of protein sequence and biophysical properties (such as structural, functional, and spatial information, amino acid conservation, physicochemical variation, residue mobility, and thermodynamic stability) indicates that this missense variant is not expected to disrupt KCNT1 protein function with a negative predictive value of 80%. In summary, the available evidence is currently insufficient to determine the role of this variant in disease. Therefore, it has been classified as a Variant of Uncertain Significance.

NM_020822.3(KCNT1):c.2192A>C (p.Gln731Pro)

Gene: KCNT1 (potassium sodium-activated channel subfamily T member 1; plus strand). Cytogenetic location: 9q34.3.
Variant type: single nucleotide variant.
Coding change: c.2192A>C on transcript NM_020822.3 (MANE Select); coding-DNA position 2192, A replaced by C.
Protein change: p.Gln731Pro; replaces glutamine 731 with proline.
Molecular consequence: missense variant.
Genome position (GRCh38, 1-based): chr9:135,772,898, A>C. VCF-style: chr9-135772898-A-C. GRCh37 (hg19) VCF-style: chr9-138664744-A-C.
Other names: c.2057A>C, p.Gln686Pro (NM_001272003.2); short protein forms Q731P, Q686P.
Identifiers: ClinVar variation 4783007 (VCV004783007.1).
Genomic context (GRCh38, chr9:135,772,898, plus strand): 5'-CGCCCGTCCTGGAACTGGCCGACAGCTCAGCCCTGCTGCCCTGCGACCTGCTGAGCGACC[A>C]GTCGGAGGATGAGGTGACGCCGTCGGACGACGAGGGGCTCTCCGTGGTAGAGTGAGTGCT-3'
Protein context (NP_065873.2, residues 721-741): ALLPCDLLSD[Gln731Pro]SEDEVTPSDD